The following is an entry in ClinVar:

NM_000016.6(ACADM):c.599+1G>A

Gene: ACADM (acyl-CoA dehydrogenase medium chain; plus strand). Cytogenetic location: 1p31.1.
Variant type: single nucleotide variant.
Coding change: c.599+1G>A on transcript NM_000016.6 (MANE Select); the canonical splice donor site of the intron after coding-DNA position 599, G replaced by A.
Molecular consequence: splice donor variant.
Genome position (GRCh38, 1-based): chr1:75,740,111, G>A. VCF-style: chr1-75740111-G-A. GRCh37 (hg19) VCF-style: chr1-76205796-G-A.
Other names: c.611+1G>A (NM_001127328.3); c.698+1G>A (NM_001286043.2); c.491+1G>A (NM_001286042.2); c.32+1G>A (NM_001286044.2).
Identifiers: ClinVar variation 226060 (VCV000226060.24), dbSNP rs866388216, ClinGen allele CA10576233.

ClinVar aggregate classification (germline): Pathogenic/Likely pathogenic. Review status: criteria provided, multiple submitters, no conflicts (2 of 4 stars). 10 submissions from 10 submitters: Pathogenic (5); Likely pathogenic (3). 2 of the submissions do not count toward it. Last evaluated 2025-12-23.

Conditions:
Medium-chain acyl-coenzyme A dehydrogenase deficiency (ACADMD). Also called: MCADD; Medium chain acyl-CoA dehydrogenase deficiency; MCAD Deficiency; ACADM DEFICIENCY; CARNITINE DEFICIENCY SECONDARY TO MEDIUM-CHAIN ACYL-CoA DEHYDROGENASE DEFICIENCY; MCADH DEFICIENCY. Identifiers: Orphanet 42, MedGen C0220710, MONDO:0008721, OMIM 201450.
MCADD - Medium-chain acyl-CoA dehydrogenase deficiency – full ACADM sequencing newborn screening follow up.
ACADM-related disorder. Also called: ACADM-related condition.

Allele frequency attached by ClinVar (database versions not stated): gnomAD exomes below 0.00001 and 0.00001; gnomAD 0.00001; TOPMed 0.00001.

Submissions (10):

Natera, Inc.
Classification: Pathogenic for Medium Chain Acyl-CoA Dehydrogenase Deficiency. Last evaluated: 2025-12-23. Review status: criteria provided, single submitter. Criteria: Natera Variant Classification Schema (03/2026). Collection method: clinical testing. Allele origin: germline.
Comment: The c.599+1G>A variant in ACADM is a canonical splice donor site variant predicted to affect pre-mRNA splicing, which may result in an abnormal transcript and altered protein product. This variant is expected to result in nonsense mediated decay, truncation, or a dysfunctional protein product. This variant is rare in the general population with a frequency below the threshold expected for the associated phenotype(s). Another variant at this same site results in an alteration predicted to cause a similar molecular effect has been observed in individual(s) with the associated phenotype. Given the available evidence, this variant is classified as Pathogenic.

Genetics Laboratory, Great Ormond Street Hospital NHS Foundation Trust, North Thames Genomic Laboratory Hub
Classification: Pathogenic for MCADD - Medium-chain acyl-CoA dehydrogenase deficiency – full ACADM sequencing newborn screening follow up. Last evaluated: 2025-09-29. Review status: criteria provided, single submitter. Criteria: ACGS Best Practice Guidelines for Variant Classification in Rare Disease 2024 v1.2. Collection method: clinical testing. Allele origin: germline. Affected: yes.
Comment: PM2_moderate, PVS1_very-strong

Labcorp Genetics (formerly Invitae), Labcorp
Classification: Pathogenic for Medium-chain acyl-coenzyme A dehydrogenase deficiency. Last evaluated: 2025-04-11. Review status: criteria provided, single submitter. Criteria: Invitae Variant Classification Sherloc (09022015). Collection method: clinical testing. Allele origin: germline.
Comment: This sequence change affects a donor splice site in intron 7 of the ACADM gene. It is expected to disrupt RNA splicing. Variants that disrupt the donor or acceptor splice site typically lead to a loss of protein function (PMID: 16199547), and loss-of-function variants in ACADM are known to be pathogenic (PMID: 16121256, 20434380). This variant is present in population databases (no rsID available, gnomAD 0.0009%). Disruption of this splice site has been observed in individual(s) with medium chain acyl-CoA dehydrogenase (MCAD) deficiency (PMID: 20434380). ClinVar contains an entry for this variant (Variation ID: 226060). Algorithms developed to predict the effect of sequence changes on RNA splicing suggest that this variant may disrupt the consensus splice site. For these reasons, this variant has been classified as Pathogenic.

Victorian Clinical Genetics Services, Murdoch Childrens Research Institute
Classification: Pathogenic for Medium-chain acyl-coenzyme A dehydrogenase deficiency. Last evaluated: 2024-10-09. Review status: criteria provided, single submitter. Criteria: ACMG Guidelines, 2015. Collection method: clinical testing. Allele origin: germline. Inheritance: Autosomal recessive inheritance. Affected: no.
Comment: Based on the classification scheme VCGS_Germline_v1.3.4, this variant is classified as Pathogenic. Following criteria are met: 0102 - Loss of function is a known mechanism of disease in this gene and is associated with deficiency of medium chain acyl-CoA dehydrogenase (MCAD) (MIM#201450). (I) 0106 - This gene is associated with autosomal recessive disease. (I) 0115 - Variants in this gene are known to have variable expressivity. Clinical presentation varies from asymptomatic to fulminant course (OMIM). (I) 0211 - Canonical splice site variant without proven consequence on splicing (no functional evidence available). (SP) 0251 - This variant is heterozygous. (I) 0304 - Variant is present in gnomAD <0.01 for a recessive condition (v3: 2 heterozygotes, 0 homozygotes). (SP) 0311 - An alternative nucleotide change at the same canonical splice site is present in gnomAD (v3) at a frequency of 0.000006570 (1 heterozygote, 0 homozygotes). (SB) 0505 - Abnormal splicing is predicted by in silico tools and affected nucleotide is highly conserved. (SP) 0801 - This variant has strong previous evidence of pathogenicity in unrelated individuals. This variant has been classified as likely pathogenic or pathogenic by multiple clinical laboratories in ClinVar. (SP) Legend: (SP) - Supporting pathogenic, (I) - Information, (SB) - Supporting benign

Baylor Genetics
Classification: Pathogenic for Medium-chain acyl-coenzyme A dehydrogenase deficiency. Last evaluated: 2023-10-12. Review status: criteria provided, single submitter. Criteria: ACMG Guidelines, 2015. Collection method: clinical testing. Allele origin: unknown.

Blueprint Genetics
Classification: Likely pathogenic for ACADM-related disorders. Last evaluated: 2022-09-08. Review status: criteria provided, single submitter. Criteria: ACMG Guidelines, 2015. Collection method: clinical testing. Allele origin: germline. Affected: yes. Observed: 3 variant alleles.

Fulgent Genetics
Classification: Likely pathogenic for Medium-chain acyl-coenzyme A dehydrogenase deficiency. Last evaluated: 2022-02-23. Review status: criteria provided, single submitter. Criteria: ACMG Guidelines, 2015. Collection method: clinical testing. Allele origin: unknown.

ARUP Laboratories, Molecular Genetics and Genomics, ARUP Laboratories
Classification: Likely pathogenic for Medium-chain acyl-coenzyme A dehydrogenase deficiency. Last evaluated: 2015-02-20. Review status: criteria provided, single submitter. Criteria: ACMG Guidelines, 2015. Collection method: clinical testing. Allele origin: germline. Inheritance: Autosomal recessive inheritance. Observed: 1 heterozygote.

PreventionGenetics, part of Exact Sciences
Classification: Likely pathogenic for ACADM-related condition. Last evaluated: 2024-02-02. Review status: no assertion criteria provided. Collection method: clinical testing. Allele origin: germline. Not counted in ClinVar's aggregate classification.
Comment: The ACADM c.599+1G>A variant is predicted to disrupt the GT donor site and interfere with normal splicing. To our knowledge, this variant was not reported in patients with MCAD deficiency. However, a different variant affecting this donor site has been reported, along with the recurrent c.985A>G pathogenic variant, in a patient with biochemical markers consistent with MCAD deficiency (c.599+3A>G; Navarrete et al. 2019. PubMed ID: 30626930). The c.599+1G>A variant is reported in 0.00088% of alleles in individuals of European (Non-Finnish) descent in gnomAD. Variants that disrupt the consensus splice donor site in ACADM are expected to be pathogenic. This variant is interpreted as likely pathogenic.

Counsyl
Classification: Likely pathogenic for Medium-chain acyl-coenzyme A dehydrogenase deficiency. Last evaluated: 2015-11-18. Review status: no assertion criteria provided. Collection method: clinical testing. Allele origin: unknown. Not counted in ClinVar's aggregate classification.

Literature cited by the submitters: PubMed 16199547 (cited by Labcorp Genetics (formerly Invitae), Labcorp); PubMed 16121256 (cited by Labcorp Genetics (formerly Invitae), Labcorp); PubMed 20434380 (cited by Labcorp Genetics (formerly Invitae), Labcorp).